The following is an entry in ClinVar:

ClinVar aggregate classification (germline): Uncertain significance (1 of 4 stars; one submission).

Conditions:
Developmental and epileptic encephalopathy, 1 (DEE1). Also called: X-linked infantile spasms; West's syndrome; Tonic spasms with clustering, arrest of psychomotor development and hypsarrhythmia on EEG; X-Linked Infantile Spasm Syndrome; INFANTILE SPASM SYNDROME, X-LINKED 1; Epileptic encephalopathy, early infantile, 1. Identifiers: MedGen C3463992, MONDO:0010632, OMIM 308350. Disease mechanism: loss of function.
Autosomal recessive spinocerebellar ataxia 12. Also called: SPINOCEREBELLAR ATAXIA WITH MENTAL RETARDATION AND EPILEPSY. Identifiers: Orphanet 284282, MedGen C3280452, MONDO:0013687, OMIM 614322.

Submission:

Labcorp Genetics (formerly Invitae), Labcorp
Classification: Uncertain significance for Developmental and epileptic encephalopathy, 1; Autosomal recessive spinocerebellar ataxia 12. Last evaluated: 2019-03-11. Review status: criteria provided, single submitter. Criteria: Invitae Variant Classification Sherloc (09022015). Collection method: clinical testing. Allele origin: germline.
Comment: In summary, the available evidence is currently insufficient to determine the role of this variant in disease. Therefore, it has been classified as a Variant of Uncertain Significance. Algorithms developed to predict the effect of missense changes on protein structure and function are either unavailable or do not agree on the potential impact of this missense change (SIFT: "Deleterious"; PolyPhen-2: "Benign"; Align-GVGD: "Class C0"). This variant has not been reported in the literature in individuals with WWOX-related conditions. This variant is not present in population databases (ExAC no frequency). This sequence change replaces glutamic acid with aspartic acid at codon 15 of the WWOX protein (p.Glu15Asp). The glutamic acid residue is highly conserved and there is a small physicochemical difference between glutamic acid and aspartic acid.

NM_016373.4(WWOX):c.45G>T (p.Glu15Asp)

Gene: WWOX (WW domain containing oxidoreductase; plus strand). Cytogenetic location: 16q23.1.
Variant type: single nucleotide variant.
Coding change: c.45G>T on transcript NM_016373.4 (MANE Select); coding-DNA position 45, G replaced by T.
Protein change: p.Glu15Asp; replaces glutamic acid 15 with aspartic acid.
Molecular consequence: missense variant. On other transcripts: 5 prime UTR variant (1), non-coding transcript variant (2).
Genome position (GRCh38, 1-based): chr16:78,099,823, G>T. VCF-style: chr16-78099823-G-T. GRCh37 (hg19) VCF-style: chr16-78133720-G-T.
Other names: c.-230G>T (NM_001291997.2); c.45G>T, p.Glu15Asp (NM_130791.5); short protein forms E15D.
Identifiers: ClinVar variation 863755 (VCV000863755.8), dbSNP rs770319919, ClinGen allele CA396841817.